The following is an entry in ClinVar:

NM_000393.5(COL5A2):c.98-12T>G

Gene: COL5A2 (collagen type V alpha 2 chain; minus strand). Cytogenetic location: 2q32.2.
Variant type: single nucleotide variant.
Coding change: c.98-12T>G on transcript NM_000393.5 (MANE Select); 12 bases into the intron before coding-DNA position 98, T replaced by G.
Molecular consequence: intron variant.
Genome position (GRCh38, 1-based): chr2:189,110,461, A>C on the plus strand (T>G on the coding strand, the complement: COL5A2 is on the minus strand). VCF-style: chr2-189110461-A-C. GRCh37 (hg19) VCF-style: chr2-189975187-A-C.
Other names: c.98-12T>G (NM_000393.4).
Identifiers: ClinVar variation 136960 (VCV000136960.22), dbSNP rs117917418, ClinGen allele CA290406.

ClinVar aggregate classification (germline): Benign/Likely benign. Review status: criteria provided, multiple submitters, no conflicts (2 of 4 stars). 10 submissions from 10 submitters: Benign (6); Likely benign (2). 2 of the submissions do not count toward it. Last evaluated 2026-02-04.

Conditions:
Ehlers-Danlos syndrome, classic type, 1 (EDSCL1). Also called: Ehlers-Danlos syndrome, type 1; EHLERS-DANLOS SYNDROME, GRAVIS TYPE; EHLERS-DANLOS SYNDROME, SEVERE CLASSIC TYPE; Ehlers-Danlos Syndrome, Classic Type, COL5A1-Related; EDS I. Identifiers: MedGen C0268335, MONDO:0019567, OMIM 130000.
Ehlers-Danlos syndrome, classic type, 2 (EDSCL2). Also called: Ehlers-Danlos syndrome, type 2; Ehlers-Danlos syndrome type 2 (formerly); Ehlers-Danlos Syndrome, Classic Type, COL5A2-Related. Identifiers: Orphanet 287, Orphanet 90318, MedGen C0268336, MONDO:0019568, OMIM 130010.
Familial thoracic aortic aneurysm and aortic dissection (TAAD). Also called: Thoracic aortic aneurysms and dissections. Identifiers: Orphanet 91387, MedGen C4707243, MONDO:0019625.

Allele frequency attached by ClinVar (database versions not stated): ESP Exome Variant Server 0.00500; gnomAD exomes 0.01131 and 0.02839; gnomAD 0.01199 and 0.01288; TOPMed 0.01977; ExAC 0.02553; 1000 Genomes Project 0.02596; 1000 Genomes Project 30x 0.02780.
gnomAD v4.1: 18,323 of 1,606,384 alleles (1.1%); highest among the groups gnomAD compares: Admixed American, 13%; 717 homozygotes.

Submissions (21):

Labcorp Genetics (formerly Invitae), Labcorp
Classification: Benign for Ehlers-Danlos syndrome, classic type, 1. Last evaluated: 2026-02-04. Review status: criteria provided, single submitter. Criteria: Invitae Variant Classification Sherloc (09022015). Collection method: clinical testing. Allele origin: germline.

Blueprint Genetics
Classification: Benign. Last evaluated: 2024-11-26. Review status: criteria provided, single submitter. Criteria: ACMG Guidelines, 2015. Collection method: clinical testing. Allele origin: germline.

Women's Health and Genetics/Laboratory Corporation of America, LabCorp
Classification: Benign. Last evaluated: 2023-05-28. Review status: criteria provided, single submitter. Criteria: LabCorp Variant Classification Summary - May 2015. Collection method: clinical testing. Allele origin: germline.

Illumina Laboratory Services, Illumina
Classification: Benign for Ehlers-Danlos syndrome, classic type, 2. Last evaluated: 2018-01-13. Review status: criteria provided, single submitter. Criteria: ICSL Variant Classification Criteria 13 December 2019. Collection method: clinical testing. Allele origin: germline.
Comment: This variant was observed in the ICSL laboratory as part of a predisposition screen in an ostensibly healthy population. It had not been previously curated by ICSL or reported in the Human Gene Mutation Database (HGMD: prior to June 1st, 2018), and was therefore a candidate for classification through an automated scoring system. Utilizing variant allele frequency, disease prevalence and penetrance estimates, and inheritance mode, an automated score was calculated to assess if this variant is too frequent to cause the disease. Based on the score and internal cut-off values, a variant classified as benign is not then subjected to further curation. The score for this variant resulted in a classification of benign for this disease.

Ambry Genetics
Classification: Likely benign for Familial thoracic aortic aneurysm and aortic dissection. Last evaluated: 2017-03-09. Review status: criteria provided, single submitter. Criteria: Ambry Variant Classification Scheme 2023. Collection method: clinical testing. Allele origin: germline.

GeneDx
Classification: Benign. Last evaluated: 2013-02-01. Review status: criteria provided, single submitter. Criteria: GeneDx Variant Classification (06012015). Collection method: clinical testing. Allele origin: germline. Affected: yes.
Comment: This variant is considered likely benign or benign based on one or more of the following criteria: it is a conservative change, it occurs at a poorly conserved position in the protein, it is predicted to be benign by multiple in silico algorithms, and/or has population frequency not consistent with disease.

Breakthrough Genomics
Classification: Likely benign. Review status: criteria provided, single submitter. Criteria: ACMG Guidelines, 2015. Collection method: not provided. Allele origin: germline. Inheritance: Autosomal dominant inheritance. Affected: yes.

PreventionGenetics, part of Exact Sciences
Classification: Benign. Review status: criteria provided, single submitter. Criteria: ACMG Guidelines, 2015. Collection method: clinical testing. Allele origin: germline.

Dr. Peter K. Rogan Lab, Western University
No classification provided (evidence only). Condition: Lung cancer. Review status: no classification provided. Collection method: in vitro. Allele origin: not applicable. Functional consequence: retained intron. Not counted in ClinVar's aggregate classification.

Dr. Peter K. Rogan Lab, Western University
No classification provided (evidence only). Condition: Sarcoma. Review status: no classification provided. Collection method: in vitro. Allele origin: not applicable. Functional consequence: retained intron. Not counted in ClinVar's aggregate classification.

Dr. Peter K. Rogan Lab, Western University
No classification provided (evidence only). Condition: Cholangiocarcinoma. Review status: no classification provided. Collection method: in vitro. Allele origin: not applicable. Functional consequence: retained intron. Not counted in ClinVar's aggregate classification.

Dr. Peter K. Rogan Lab, Western University
No classification provided (evidence only). Condition: Gastric cancer. Review status: no classification provided. Collection method: in vitro. Allele origin: not applicable. Functional consequence: retained intron. Not counted in ClinVar's aggregate classification.

Dr. Peter K. Rogan Lab, Western University
No classification provided (evidence only). Condition: Malignant tumor of esophagus. Review status: no classification provided. Collection method: in vitro. Allele origin: not applicable. Functional consequence: retained intron. Not counted in ClinVar's aggregate classification.

Dr. Peter K. Rogan Lab, Western University
No classification provided (evidence only). Condition: Malignant tumor of esophagus. Review status: no classification provided. Collection method: in vitro. Allele origin: not applicable. Functional consequence: retained intron. Not counted in ClinVar's aggregate classification.

Dr. Peter K. Rogan Lab, Western University
No classification provided (evidence only). Condition: Malignant tumor of esophagus. Review status: no classification provided. Collection method: in vitro. Allele origin: not applicable. Functional consequence: retained intron. Not counted in ClinVar's aggregate classification.

Dr. Peter K. Rogan Lab, Western University
No classification provided (evidence only). Condition: Familial pancreatic carcinoma. Review status: no classification provided. Collection method: in vitro. Allele origin: not applicable. Functional consequence: retained intron. Not counted in ClinVar's aggregate classification.

Dr. Peter K. Rogan Lab, Western University
No classification provided (evidence only). Condition: Hepatocellular carcinoma. Review status: no classification provided. Collection method: in vitro. Allele origin: not applicable. Functional consequence: retained intron. Not counted in ClinVar's aggregate classification.

Dr. Peter K. Rogan Lab, Western University
No classification provided (evidence only). Condition: Hepatocellular carcinoma. Review status: no classification provided. Collection method: in vitro. Allele origin: not applicable. Functional consequence: retained intron. Not counted in ClinVar's aggregate classification.

Dr. Peter K. Rogan Lab, Western University
No classification provided (evidence only). Condition: Ovarian cancer. Review status: no classification provided. Collection method: in vitro. Allele origin: not applicable. Functional consequence: retained intron. Not counted in ClinVar's aggregate classification.

Genome Diagnostics Laboratory, Amsterdam University Medical Center
Classification: Benign. Review status: no assertion criteria provided. Collection method: clinical testing. Allele origin: germline. Affected: yes. Study: VKGL Data-share Consensus. Not counted in ClinVar's aggregate classification.

Genome Diagnostics Laboratory, University Medical Center Utrecht
Classification: Benign. Review status: no assertion criteria provided. Collection method: clinical testing. Allele origin: germline. Affected: yes. Study: VKGL Data-share Consensus. Not counted in ClinVar's aggregate classification.